The following is an entry in ClinVar:

NM_001267550.2(TTN):c.101053G>A (p.Asp33685Asn)

Genes: TTN-AS1 (TTN antisense RNA 1; plus strand), TTN (titin; minus strand). Cytogenetic location: 2q31.2.
Variant type: single nucleotide variant.
Coding change: c.101053G>A on transcript NM_001267550.2 (MANE Select); coding-DNA position 101053, G replaced by A.
Protein change: p.Asp33685Asn; replaces aspartic acid 33685 with asparagine.
Molecular consequence: missense variant.
Genome position (GRCh38, 1-based): chr2:178,535,562, C>T on the plus strand (G>A on the coding strand, the complement: TTN is on the minus strand). VCF-style: chr2-178535562-C-T. GRCh37 (hg19) VCF-style: chr2-179400289-C-T.
Other names: c.96130G>A, p.Asp32044Asn (NM_001256850.1); c.73858G>A, p.Asp24620Asn (NM_003319.4); c.93349G>A, p.Asp31117Asn (NM_133378.4); c.74233G>A, p.Asp24745Asn (NM_133432.3); c.74434G>A, p.Asp24812Asn (NM_133437.4); short protein forms D24745N, D24812N, D31117N, D24620N, D32044N, D33685N.
Identifiers: ClinVar variation 642575 (VCV000642575.11), dbSNP rs1575295828, ClinGen allele CA349421898.

ClinVar aggregate classification (germline): Uncertain significance (1 of 4 stars; one submission).

Conditions:
Dilated cardiomyopathy 1G (CMD1G). Identifiers: Orphanet 154, MedGen C1858763, MONDO:0011400, OMIM 604145.
Autosomal recessive limb-girdle muscular dystrophy type 2J (LGMDR10). Also called: Limb-girdle muscular dystrophy, type 2J; MUSCULAR DYSTROPHY, LIMB-GIRDLE, AUTOSOMAL RECESSIVE 10. Identifiers: Orphanet 140922, MedGen C1837342, MONDO:0012127, OMIM 608807.

Submission:

Labcorp Genetics (formerly Invitae), Labcorp
Classification: Uncertain significance for Dilated cardiomyopathy 1G; Autosomal recessive limb-girdle muscular dystrophy type 2J. Last evaluated: 2022-07-26. Review status: criteria provided, single submitter. Criteria: Invitae Variant Classification Sherloc (09022015). Collection method: clinical testing. Allele origin: germline.
Comment: This sequence change replaces aspartic acid, which is acidic and polar, with asparagine, which is neutral and polar, at codon 33685 of the TTN protein (p.Asp33685Asn). This variant is not present in population databases (gnomAD no frequency). This variant has not been reported in the literature in individuals affected with TTN-related conditions. ClinVar contains an entry for this variant (Variation ID: 642575). Experimental studies and prediction algorithms are not available or were not evaluated, and the functional significance of this variant is currently unknown. This variant is located in the M band of TTN (PMID: 25589632). Variants in this region may be relevant for neuromuscular disorders, but have not been definitively shown to cause cardiomyopathy (PMID: 23975875). In summary, the available evidence is currently insufficient to determine the role of this variant in disease. Therefore, it has been classified as a Variant of Uncertain Significance.

Literature cited by the submitters: PubMed 25589632; PubMed 23975875.